The following is an entry in ClinVar:

NM_000397.4(CYBB):c.251C>T (p.Ala84Val)

Gene: CYBB (cytochrome b-245 beta chain; plus strand). Cytogenetic location: Xp21.1.
Variant type: single nucleotide variant.
Coding change: c.251C>T on transcript NM_000397.4 (MANE Select); coding-DNA position 251, C replaced by T.
Protein change: p.Ala84Val; replaces alanine 84 with valine.
Molecular consequence: missense variant.
Genome position (GRCh38, 1-based): chrX:37,783,599, C>T. VCF-style: chrX-37783599-C-T. GRCh37 (hg19) VCF-style: chrX-37642852-C-T.
Other names: short protein forms A84V.
Identifiers: ClinVar variation 945610 (VCV000945610.8), dbSNP rs944314548, ClinGen allele CA328040543.
Genomic context (GRCh38, chrX:37,783,599, plus strand): 5'-GCATGCTGATTCTCTTGCCAGTCTGTCGAAATCTGCTGTCCTTCCTCAGGGGTTCCAGTG[C>T]GGTAAGAGAAAATGTTTTACTAAGTTCCTCTAATTTTCAAAGGCCATCAAGCAAAATGCC-3'
Protein context (NP_000388.2, residues 74-94): NLLSFLRGSS[Ala84Val]CCSTRVRRQL

ClinVar aggregate classification (germline): Uncertain significance. Review status: criteria provided, multiple submitters, no conflicts (2 of 4 stars). 2 submissions from 2 submitters: Uncertain significance (2). Last evaluated 2025-09-10.

Conditions:
Granulomatous disease, chronic, X-linked. Also called: CYTOCHROME b-NEGATIVE GRANULOMATOUS DISEASE, CHRONIC, X-LINKED; GRANULOMATOUS DISEASE, CHRONIC, X-LINKED, SOMATIC MOSAIC. Identifiers: Orphanet 379, MedGen C1844376, MONDO:0010600, OMIM 306400.

gnomAD v4.1: 2 of 1,159,188 alleles (0.00017%); highest among the groups gnomAD compares: Non-Finnish European, 0.00024%; no homozygotes.

Submissions (2):

Genomic Medicine Center of Excellence, King Faisal Specialist Hospital and Research Centre
Classification: Uncertain significance for Granulomatous disease, chronic, X-linked. Last evaluated: 2025-09-10. Review status: criteria provided, single submitter. Criteria: ACMG Guidelines, 2015. Collection method: clinical testing. Allele origin: germline.

Labcorp Genetics (formerly Invitae), Labcorp
Classification: Uncertain significance for Granulomatous disease, chronic, X-linked. Last evaluated: 2022-08-31. Review status: criteria provided, single submitter. Criteria: Invitae Variant Classification Sherloc (09022015). Collection method: clinical testing. Allele origin: germline.
Comment: This sequence change replaces alanine, which is neutral and non-polar, with valine, which is neutral and non-polar, at codon 84 of the CYBB protein (p.Ala84Val). This variant is not present in population databases (gnomAD no frequency). This variant has not been reported in the literature in individuals affected with CYBB-related conditions. ClinVar contains an entry for this variant (Variation ID: 945610). Algorithms developed to predict the effect of missense changes on protein structure and function output the following: SIFT: "Tolerated"; PolyPhen-2: "Benign"; Align-GVGD: "Class C0". The valine amino acid residue is found in multiple mammalian species, which suggests that this missense change does not adversely affect protein function. In summary, the available evidence is currently insufficient to determine the role of this variant in disease. Therefore, it has been classified as a Variant of Uncertain Significance.